The following is an entry in ClinVar:

NC_000003.11:g.(?_3186248)_(3189838_?)del

Gene: TRNT1 (tRNA nucleotidyl transferase 1; plus strand). Cytogenetic location: 3p26.2.
Variant type: Deletion.
Identifiers: ClinVar variation 2427607 (VCV002427607.2).

ClinVar aggregate classification (germline): Pathogenic (1 of 4 stars; one submission).

Conditions:
Congenital sideroblastic anemia-B-cell immunodeficiency-periodic fever-developmental delay syndrome. Also called: Sideroblastic anemia with B-cell immunodeficiency, periodic fevers, and developmental delay. Identifiers: Orphanet 369861, MedGen C4015172, MONDO:0014487, OMIM 616084.

Submission:

Labcorp Genetics (formerly Invitae), Labcorp
Classification: Pathogenic for Congenital sideroblastic anemia-B-cell immunodeficiency-periodic fever-developmental delay syndrome. Last evaluated: 2022-02-06. Review status: criteria provided, single submitter. Criteria: Invitae Variant Classification Sherloc (09022015). Collection method: clinical testing. Allele origin: germline.
Comment: For these reasons, this variant has been classified as Pathogenic. This variant disrupts a region of the TRNT1 protein in which other variant(s) (p.Ile223Thr) have been determined to be pathogenic (PMID: 25193871, 27370603, 29055896, 29358286, 29454993). This suggests that this is a clinically significant region of the protein, and that variants that disrupt it are likely to be disease-causing. This variant has not been reported in the literature in individuals affected with TRNT1-related conditions. This variant is a gross deletion of the genomic region encompassing exon(s) 5-8 of the TRNT1 gene, which includes the termination codon. This deletion extends beyond the assayed region for this gene and therefore may encompass additional genes. While this deletion is not anticipated to lead to nonsense mediated decay, it is expected to alter mRNA translation or result in a truncated protein product.

Literature cited by the submitters: PubMed 25193871; PubMed 27370603; PubMed 29055896; PubMed 29358286; PubMed 29454993.